The following is an entry in ClinVar:

ClinVar aggregate classification (germline): Uncertain significance (0 of 4 stars; one submission).

Conditions:
GNAS-related disorder. Identifiers: MedGen CN380105.

Submission:

PreventionGenetics, part of Exact Sciences
Classification: Uncertain significance for GNAS-related condition. Last evaluated: 2024-02-06. Review status: no assertion criteria provided. Collection method: clinical testing. Allele origin: germline.
Comment: The GNAS c.437A>G variant is predicted to result in the amino acid substitution p.Gln146Arg. To our knowledge, this variant has not been reported in the literature or in a large population database, indicating this variant is rare. At this time, the clinical significance of this variant is uncertain due to the absence of conclusive functional and genetic evidence.

NM_080425.4(GNAS):c.624A>G (p.Ala208=)

Gene: GNAS (GNAS complex locus; plus strand). Cytogenetic location: 20q13.32.
Variant type: single nucleotide variant.
Coding change: c.624A>G on transcript NM_080425.4 (MANE Plus Clinical); coding-DNA position 624, A replaced by G.
Protein change: p.Ala208=; no amino-acid change (alanine 208 retained).
Molecular consequence: synonymous variant. On other transcripts: missense variant (2), intron variant (3).
Genome position (GRCh38, 1-based): chr20:58,853,889, A>G. VCF-style: chr20-58853889-A-G. GRCh37 (hg19) VCF-style: chr20-57428944-A-G.
Other names: c.437A>G, p.Gln146Arg (NM_001077490.3, NM_001309883.1); c.624A>G, p.Ala208= (NM_001410913.1); c.*42+13003A>G (NM_016592.5); c.43+13003A>G (NM_001410912.1); c.-39+12014A>G (NM_001309861.2); short protein forms Q146R.
Identifiers: ClinVar variation 3349146 (VCV003349146.1).